The following is an entry in ClinVar:

NM_000238.4(KCNH2):c.387C>G (p.Phe129Leu)

Gene: KCNH2 (potassium voltage-gated channel subfamily H member 2; minus strand). Cytogenetic location: 7q36.1.
Variant type: single nucleotide variant.
Coding change: c.387C>G on transcript NM_000238.4 (MANE Select); coding-DNA position 387, C replaced by G.
Protein change: p.Phe129Leu; replaces phenylalanine 129 with leucine.
Molecular consequence: missense variant.
Genome position (GRCh38, 1-based): chr7:150,959,657, G>C on the plus strand (C>G on the coding strand, the complement: KCNH2 is on the minus strand). VCF-style: chr7-150959657-G-C. GRCh37 (hg19) VCF-style: chr7-150656745-G-C.
Other names: p.F129L:TTC>TTG; c.99C>G, p.Phe33Leu (NM_001406753.1, NM_001406756.1); c.210C>G, p.Phe70Leu (NM_001406755.1); c.87C>G, p.Phe29Leu (NM_001406757.1); c.387C>G, p.Phe129Leu (NM_172056.3); short protein forms F129L, F29L, F33L, F70L.
Identifiers: ClinVar variation 200280 (VCV000200280.10), dbSNP rs764831888, ClinGen allele CA008406.

ClinVar aggregate classification (germline): Conflicting classifications of pathogenicity. Review status: criteria provided, conflicting classifications (1 of 4 stars). 3 submissions from 3 submitters: Likely pathogenic (1); Uncertain significance (2). Last evaluated 2022-06-30.

Conditions:
Cardiovascular phenotype. Identifiers: MedGen CN230736.
Long QT syndrome (LQTS). Identifiers: MedGen C0023976, MeSH D008133, MONDO:0002442. Disease mechanism: loss of function. Inheritance: Various modes of inheritance.

Submissions (3):

Labcorp Genetics (formerly Invitae), Labcorp
Classification: Uncertain significance for Long QT syndrome. Last evaluated: 2022-06-30. Review status: criteria provided, single submitter. Criteria: Invitae Variant Classification Sherloc (09022015). Collection method: clinical testing. Allele origin: germline.
Comment: This sequence change replaces phenylalanine, which is neutral and non-polar, with leucine, which is neutral and non-polar, at codon 129 of the KCNH2 protein (p.Phe129Leu). This variant is not present in population databases (gnomAD no frequency). This variant has not been reported in the literature in individuals affected with KCNH2-related conditions. ClinVar contains an entry for this variant (Variation ID: 200280). Algorithms developed to predict the effect of missense changes on protein structure and function (SIFT, PolyPhen-2, Align-GVGD) all suggest that this variant is likely to be tolerated. In summary, the available evidence is currently insufficient to determine the role of this variant in disease. Therefore, it has been classified as a Variant of Uncertain Significance.

Ambry Genetics
Classification: Uncertain significance for Cardiovascular phenotype. Last evaluated: 2020-07-02. Review status: criteria provided, single submitter. Criteria: Ambry Variant Classification Scheme 2023. Collection method: clinical testing. Allele origin: germline.
Comment: The p.F129L variant (also known as c.387C>G), located in coding exon 3 of the KCNH2 gene, results from a C to G substitution at nucleotide position 387. The phenylalanine at codon 129 is replaced by leucine, an amino acid with highly similar properties. An alternate amino acid substitution at this position, p.F129I, was reported in a long QT syndrome genetic testing cohort; however, clinical details were limited (Lieve KV et al. Genet Test Mol Biomarkers, 2013 Jul;17:553-61). This amino acid position is highly conserved in available vertebrate species. In addition, the in silico prediction for this alteration is inconclusive. Since supporting evidence is limited at this time, the clinical significance of this alteration remains unclear.

GeneDx
Classification: Likely pathogenic. Last evaluated: 2019-11-07. Review status: criteria provided, single submitter. Criteria: GeneDx Variant Classification Process June 2021. Collection method: clinical testing. Allele origin: germline. Affected: yes.
Comment: Has not been previously published as pathogenic or benign to our knowledge; Not observed in large population cohorts (Lek et al., 2016); In silico analysis, which includes protein predictors and evolutionary conservation, supports a deleterious effect